The following is an entry in ClinVar:

NM_000492.4(CFTR):c.1585-9451G>A

Gene: CFTR (CF transmembrane conductance regulator; plus strand). Cytogenetic location: 7q31.2.
Variant type: single nucleotide variant.
Coding change: c.1585-9451G>A on transcript NM_000492.4 (MANE Select); 9451 bases into the intron before coding-DNA position 1585, G replaced by A.
Molecular consequence: intron variant.
Genome position (GRCh38, 1-based): chr7:117,578,288, G>A. VCF-style: chr7-117578288-G-A. GRCh37 (hg19) VCF-style: chr7-117218342-G-A.
Identifiers: ClinVar variation 2681865 (VCV002681865.1), dbSNP rs751439798, ClinGen allele CA164942029.

ClinVar aggregate classification (germline): Uncertain significance (1 of 4 stars; one submission).

Allele frequency attached by ClinVar (database versions not stated): gnomAD 0.00002; TOPMed 0.00002.
gnomAD v4.1: 3 of 151,906 alleles (0.002%); highest among the groups gnomAD compares: Non-Finnish European, 0.0029%; no homozygotes.

Submission:

Quest Diagnostics Nichols Institute San Juan Capistrano
Classification: Uncertain significance. Last evaluated: 2023-01-24. Review status: criteria provided, single submitter. Criteria: Quest Diagnostics criteria. Collection method: clinical testing. Allele origin: unknown.
Comment: This variant has not been reported in the published literature. The frequency of this variant in the general population, 0.00002 (3/151906 chromosomes), is uninformative in assessment of its pathogenicity. Analysis of this variant using software algorithms for the prediction of the effect of nucleotide changes on splicing yielded predictions that this variant does not affect CFTR mRNA splicing . Based on the available information, we are unable to determine the clinical significance of this variant.